The following is an entry in ClinVar:

ClinVar aggregate classification (germline): Uncertain significance. Review status: criteria provided, single submitter (1 of 4 stars). 2 submissions from 2 submitters: Uncertain significance (1). 1 of the submissions does not count toward it. Last evaluated 2021-08-27.

Conditions:
Neuronal ceroid lipofuscinosis. Also called: Neuronal Ceroid Lipofuscinoses. Identifiers: Orphanet 216, Orphanet 79263, MedGen C0027877, MONDO:0016295. Disease mechanism: loss of function.
Neuronal ceroid lipofuscinosis 5 (CLN5). Also called: CEROID LIPOFUSCINOSIS, NEURONAL, 5, VARIABLE AGE AT ONSET; NEURONAL CEROID LIPOFUSCINOSIS, LATE INFANTILE, FINNISH VARIANT; Neuronal ceroid lipofuscinosis Finnish variant; CLN5-Related Neuronal Ceroid-Lipofuscinosis. Identifiers: Orphanet 168491, Orphanet 228360, MedGen C1850442, MONDO:0009745, OMIM 256731.

Allele frequency attached by ClinVar (database versions not stated): gnomAD 0.00001; TOPMed 0.00002.
gnomAD v4.1: 1 of 1,614,124 alleles (0.000062%); highest among the groups gnomAD compares: Non-Finnish European, 0.000085%; no homozygotes.

Submissions (2):

Labcorp Genetics (formerly Invitae), Labcorp
Classification: Uncertain significance for Neuronal ceroid lipofuscinosis. Last evaluated: 2021-08-27. Review status: criteria provided, single submitter. Criteria: Invitae Variant Classification Sherloc (09022015). Collection method: clinical testing. Allele origin: germline.
Comment: This sequence change replaces cysteine with arginine at codon 193 of the CLN5 protein (p.Cys193Arg). The cysteine residue is highly conserved and there is a large physicochemical difference between cysteine and arginine. This variant is not present in population databases (ExAC no frequency). This variant has not been reported in the literature in individuals affected with CLN5-related conditions. Algorithms developed to predict the effect of missense changes on protein structure and function (SIFT, PolyPhen-2, Align-GVGD) all suggest that this variant is likely to be disruptive. In summary, the available evidence is currently insufficient to determine the role of this variant in disease. Therefore, it has been classified as a Variant of Uncertain Significance.

Natera, Inc.
Classification: Uncertain significance for Neuronal ceroid lipofuscinosis 5. Last evaluated: 2020-09-16. Review status: no assertion criteria provided. Collection method: clinical testing. Allele origin: germline. Not counted in ClinVar's aggregate classification.

NM_006493.4(CLN5):c.430T>C (p.Cys144Arg)

Gene: CLN5 (CLN5 lysosomal BMP synthase; plus strand). Cytogenetic location: 13q22.3.
Variant type: single nucleotide variant.
Coding change: c.430T>C on transcript NM_006493.4 (MANE Select); coding-DNA position 430, T replaced by C.
Protein change: p.Cys144Arg; replaces cysteine 144 with arginine.
Molecular consequence: missense variant.
Genome position (GRCh38, 1-based): chr13:76,995,992, T>C. VCF-style: chr13-76995992-T-C. GRCh37 (hg19) VCF-style: chr13-77570127-T-C.
Other names: c.430T>C, p.Cys144Arg (NM_001366624.2); c.577T>C (LRG_692t1); short protein forms C144R.
Identifiers: ClinVar variation 661954 (VCV000661954.4), dbSNP rs1593911055, ClinGen allele CA388309013.